The following is an entry in ClinVar:

ClinVar aggregate classification (germline): Uncertain significance. Review status: criteria provided, multiple submitters, no conflicts (2 of 4 stars). 2 submissions from 2 submitters: Uncertain significance (2). Last evaluated 2023-01-26.

Conditions:
Hereditary cancer-predisposing syndrome. Also called: Tumor predisposition; Hereditary neoplastic syndrome; Neoplastic Syndromes, Hereditary; Hereditary Cancer Syndrome. Identifiers: Orphanet 140162, MedGen C0027672, MeSH D009386, MONDO:0015356.
Neuroblastoma, susceptibility to, 3. Also called: ALK-Related Neuroblastic Tumor Susceptibility. Identifiers: Orphanet 635, MedGen C2751681, MONDO:0013083, OMIM 613014.

Allele frequency attached by ClinVar (database versions not stated): TOPMed below 0.00001.
gnomAD v4.1: 5 of 1,608,498 alleles (0.00031%); highest among the groups gnomAD compares: Non-Finnish European, 0.00043%; no homozygotes.

Submissions (2):

Ambry Genetics
Classification: Uncertain significance for Hereditary cancer-predisposing syndrome. Last evaluated: 2023-01-26. Review status: criteria provided, single submitter. Criteria: Ambry Variant Classification Scheme 2023. Collection method: clinical testing. Allele origin: germline.
Comment: The p.A1458V variant (also known as c.4373C>T), located in coding exon 29 of the ALK gene, results from a C to T substitution at nucleotide position 4373. The alanine at codon 1458 is replaced by valine, an amino acid with similar properties. This amino acid position is conserved. In addition, this alteration is predicted to be tolerated by in silico analysis. Since supporting evidence is limited at this time, the clinical significance of this alteration remains unclear.

Labcorp Genetics (formerly Invitae), Labcorp
Classification: Uncertain significance for Neuroblastoma, susceptibility to, 3. Last evaluated: 2022-10-04. Review status: criteria provided, single submitter. Criteria: Invitae Variant Classification Sherloc (09022015). Collection method: clinical testing. Allele origin: germline.
Comment: In summary, the available evidence is currently insufficient to determine the role of this variant in disease. Therefore, it has been classified as a Variant of Uncertain Significance. Algorithms developed to predict the effect of missense changes on protein structure and function output the following: SIFT: "Tolerated"; PolyPhen-2: "Benign"; Align-GVGD: "Class C0". The valine amino acid residue is found in multiple mammalian species, which suggests that this missense change does not adversely affect protein function. ClinVar contains an entry for this variant (Variation ID: 1382901). This variant has not been reported in the literature in individuals affected with ALK-related conditions. This variant is present in population databases (rs774448761, gnomAD 0.002%). This sequence change replaces alanine, which is neutral and non-polar, with valine, which is neutral and non-polar, at codon 1458 of the ALK protein (p.Ala1458Val).

NM_004304.5(ALK):c.4373C>T (p.Ala1458Val)

Gene: ALK (ALK receptor tyrosine kinase; minus strand). Cytogenetic location: 2p23.2.
Variant type: single nucleotide variant.
Coding change: c.4373C>T on transcript NM_004304.5 (MANE Select); coding-DNA position 4373, C replaced by T.
Protein change: p.Ala1458Val; replaces alanine 1458 with valine.
Molecular consequence: missense variant.
Genome position (GRCh38, 1-based): chr2:29,193,714, G>A on the plus strand (C>T on the coding strand, the complement: ALK is on the minus strand). VCF-style: chr2-29193714-G-A. GRCh37 (hg19) VCF-style: chr2-29416580-G-A.
Other names: c.1169C>T, p.Ala390Val (NM_001353765.2); c.4373C>T (NM_004304.4); short protein forms A390V, A1458V.
Identifiers: ClinVar variation 1382901 (VCV001382901.7), dbSNP rs774448761, ClinGen allele CA1593588.